The following is an entry in ClinVar:

ClinVar aggregate classification (germline): Likely benign (1 of 4 stars; one submission).

Conditions:
AFF3-related disorder. Also called: AFF3-related condition.

gnomAD v4.1: 163 of 1,614,162 alleles (0.01%); highest among the groups gnomAD compares: East Asian, 0.27%; no homozygotes.

Submission:

PreventionGenetics, part of Exact Sciences
Classification: Likely benign for AFF3-related condition. Last evaluated: 2025-02-10. Review status: criteria provided, single submitter. Criteria: ACMG Guidelines, 2015. Collection method: clinical testing. Allele origin: germline.
Comment: This variant is classified as likely benign based on ACMG/AMP sequence variant interpretation guidelines (Richards et al. 2015 PMID: 25741868, with internal and published modifications).

NM_001386135.1(AFF3):c.3335+8C>T

Gene: AFF3 (ALF transcription elongation factor 3; minus strand). Cytogenetic location: 2q11.2.
Variant type: single nucleotide variant.
Coding change: c.3335+8C>T on transcript NM_001386135.1 (MANE Select); 8 bases into the intron after coding-DNA position 3335, C replaced by T.
Molecular consequence: intron variant.
Genome position (GRCh38, 1-based): chr2:99,554,675, G>A on the plus strand (C>T on the coding strand, the complement: AFF3 is on the minus strand). VCF-style: chr2-99554675-G-A. GRCh37 (hg19) VCF-style: chr2-100171137-G-A.
Other names: c.3335+8C>T (NM_002285.3); c.3410+8C>T (NM_001025108.2).
Identifiers: ClinVar variation 4983329 (VCV004983329.1).